The following is an entry in ClinVar:

ClinVar aggregate classification (germline): Uncertain significance (1 of 4 stars; one submission).

Submission:

Women's Health and Genetics/Laboratory Corporation of America, LabCorp
Classification: Uncertain significance. Last evaluated: 2023-04-26. Review status: criteria provided, single submitter. Criteria: LabCorp Variant Classification Summary - May 2015. Collection method: clinical testing. Allele origin: germline.
Comment: Variant summary: ATP7B c.2207C>T (p.Ala736Val) results in a non-conservative amino acid change to a highly conserved residue (HGMD) located in the P-type ATPase, subfamily IB (IPR027256) of the encoded protein sequence. Four of five in-silico tools predict a damaging effect of the variant on protein function. The variant was absent in 249596 control chromosomes (gnomAD). The available data on variant occurrences in the general population are insufficient to allow any conclusion about variant significance. c.2207C>T has been reported in the literature in an individual affected with Wilson Disease without strong evidence of causality. This report does not provide unequivocal conclusions about association of the variant with Wilson Disease. To our knowledge, no experimental evidence demonstrating an impact on protein function has been reported. The following publication has been ascertained in the context of this evaluation (PMID: 22677543). No submitters have provided clinical-significance assessments for this variant to ClinVar after 2014. Based on the evidence outlined above, the variant was classified as uncertain significance.

Literature cited by the submitters: PubMed 22677543.

NM_000053.4(ATP7B):c.2207C>T (p.Ala736Val)

Gene: ATP7B (ATPase copper transporting beta; minus strand). Cytogenetic location: 13q14.3.
Variant type: single nucleotide variant.
Coding change: c.2207C>T on transcript NM_000053.4 (MANE Select); coding-DNA position 2207, C replaced by T.
Protein change: p.Ala736Val; replaces alanine 736 with valine.
Molecular consequence: missense variant. On other transcripts: intron variant (20).
Genome position (GRCh38, 1-based): chr13:51,958,459, G>A on the plus strand (C>T on the coding strand, the complement: ATP7B is on the minus strand). VCF-style: chr13-51958459-G-A. GRCh37 (hg19) VCF-style: chr13-52532595-G-A.
Other names: c.1874C>T, p.Ala625Val (NM_001243182.2); c.1955C>T, p.Ala652Val (NM_001330579.2, NM_001406531.1, NM_001406532.1 and 1 more transcripts); c.2207C>T, p.Ala736Val (NM_001406511.1, NM_001406512.1, NM_001406513.1 and 7 more transcripts); c.2174C>T, p.Ala725Val (NM_001406514.1); c.2111C>T, p.Ala704Val (NM_001406517.1, NM_001406518.1); c.1778C>T, p.Ala593Val (NM_001406539.1); c.1859C>T, p.Ala620Val (NM_001406543.1); c.1870-852C>T (NM_001406541.1, NM_001005918.3, NM_001406546.1 and 1 more transcripts); and 9 more; short protein forms A593V, A620V, A625V, A652V, A704V, A725V, A736V.
Identifiers: ClinVar variation 2503975 (VCV002503975.1), dbSNP rs2547715827, ClinGen allele CA388022696.